The following is an entry in ClinVar:

ClinVar aggregate classification (germline): Benign/Likely benign. Review status: criteria provided, multiple submitters, no conflicts (2 of 4 stars). 7 submissions from 7 submitters: Benign (5); Likely benign (2). Last evaluated 2026-02-04.

Conditions:
Primary ciliary dyskinesia. Also called: Ciliary dyskinesia. Identifiers: Orphanet 244, MedGen C0008780, MONDO:0016575, HP:0012265.

Allele frequency attached by ClinVar (database versions not stated): gnomAD exomes 0.20311 and 0.20905; ExAC 0.21313; ESP Exome Variant Server 0.22629; 1000 Genomes Project 0.22684; TOPMed 0.22849; 1000 Genomes Project 30x 0.23017; gnomAD 0.23073 and 0.23311.
gnomAD v4.1: 332,064 of 1,611,360 alleles (21%); highest among the groups gnomAD compares: African/African-American, 30%; 34,984 homozygotes.

Submissions (7):

Labcorp Genetics (formerly Invitae), Labcorp
Classification: Benign for Primary ciliary dyskinesia. Last evaluated: 2026-02-04. Review status: criteria provided, single submitter. Criteria: Invitae Variant Classification Sherloc (09022015). Collection method: clinical testing. Allele origin: germline.

Blueprint Genetics
Classification: Likely benign. Last evaluated: 2024-11-27. Review status: criteria provided, single submitter. Criteria: ACMG Guidelines, 2015. Collection method: clinical testing. Allele origin: germline.

GeneDx
Classification: Benign. Last evaluated: 2018-11-10. Review status: criteria provided, single submitter. Criteria: GeneDx Variant Classification Process June 2021. Collection method: clinical testing. Allele origin: germline. Affected: yes.

Eurofins Ntd Llc (ga)
Classification: Benign. Last evaluated: 2013-04-11. Review status: criteria provided, single submitter. Criteria: EGL Classification Definitions 2015. Collection method: clinical testing. Allele origin: germline. Observed: 2 variant alleles, 2 heterozygotes.

Laboratory for Molecular Medicine, Mass General Brigham Personalized Medicine
Classification: Benign. Last evaluated: 2013-02-21. Review status: criteria provided, single submitter. Criteria: LMM Criteria. Collection method: clinical testing. Allele origin: germline. Observed: 35 variant alleles.
Comment: 5621+11A>T in intron 32 of DNAH11: This variant is not expected to have clinical significance because it is not located within the conserved splice consensus se quence. It has been identified in 28.1% (1039/3698) of African American chromoso mes from a broad population by the NHLBI Exome Sequencing Project (.; dbSNP rs59447021).

Breakthrough Genomics
Classification: Likely benign. Review status: criteria provided, single submitter. Criteria: ACMG Guidelines, 2015. Collection method: not provided. Allele origin: germline. Inheritance: Autosomal recessive inheritance. Affected: yes.

PreventionGenetics, part of Exact Sciences
Classification: Benign. Review status: criteria provided, single submitter. Criteria: ACMG Guidelines, 2015. Collection method: clinical testing. Allele origin: germline.

NM_001277115.2(DNAH11):c.5621+11A>T

Gene: DNAH11 (dynein axonemal heavy chain 11; plus strand). Cytogenetic location: 7p15.3.
Variant type: single nucleotide variant.
Coding change: c.5621+11A>T on transcript NM_001277115.2 (MANE Select); 11 bases into the intron after coding-DNA position 5621, A replaced by T.
Molecular consequence: intron variant.
Genome position (GRCh38, 1-based): chr7:21,683,955, A>T. VCF-style: chr7-21683955-A-T. GRCh37 (hg19) VCF-style: chr7-21723573-A-T.
Identifiers: ClinVar variation 93692 (VCV000093692.25), dbSNP rs59447021, ClinGen allele CA147215.
Genomic context (GRCh38, chr7:21,683,955, plus strand): 5'-GAATACTTAGGAAACAGCCCTCGACTAGTGATCACTCCTCTAACTGACAGGTAACAATTC[A>T]AAGTTTCCGTCCAGATAGGAAAAACAACCCAAAAAAGTCCCCTAGTGTGAGAATGAAAAG-3'